The following is an entry in ClinVar:

ClinVar aggregate classification (germline): Uncertain significance (1 of 4 stars; one submission).

Conditions:
Hereditary cancer-predisposing syndrome. Also called: Neoplastic Syndromes, Hereditary; Tumor predisposition; Hereditary neoplastic syndrome; Hereditary Cancer Syndrome. Identifiers: Orphanet 140162, MedGen C0027672, MeSH D009386, MONDO:0015356.

Submission:

Ambry Genetics
Classification: Uncertain significance for Hereditary cancer-predisposing syndrome. Last evaluated: 2026-07-07. Review status: criteria provided, single submitter. Criteria: Ambry Variant Classification Scheme 2023. Collection method: clinical testing. Allele origin: germline.
Comment: The p.G30V variant (also known as c.89G>T), located in coding exon 1 of the FH gene, results from a G to T substitution at nucleotide position 89. The glycine at codon 30 is replaced by valine, an amino acid with dissimilar properties. This amino acid position is conserved. In addition, the in silico prediction for this alteration is inconclusive. Based on the available evidence, the clinical significance of this variant remains unclear.

NM_000143.4(FH):c.89G>T (p.Gly30Val)

Gene: FH (fumarate hydratase; minus strand). Cytogenetic location: 1q43.
Variant type: single nucleotide variant.
Coding change: c.89G>T on transcript NM_000143.4 (MANE Select); coding-DNA position 89, G replaced by T.
Protein change: p.Gly30Val; replaces glycine 30 with valine.
Molecular consequence: missense variant.
Genome position (GRCh38, 1-based): chr1:241,519,634, C>A on the plus strand (G>T on the coding strand, the complement: FH is on the minus strand). VCF-style: chr1-241519634-C-A. GRCh37 (hg19) VCF-style: chr1-241682934-C-A.
Other names: short protein forms G30V.
Identifiers: ClinVar variation 5021749 (VCV005021749.1).
Genomic context (GRCh38, chr1:241,519,634, plus strand): 5'-TGGCGGCCTGCGCTCACCATTCGAGCCGCGTTCGGAGGCCAAAACGAGGGCACGGCCGCG[C>A]CACCCAAGCCGGGAGCCGAAGCTAAGGCTGCGGCTGGAGCCCGCACGAGGGGACGCGAGC-3'
Protein context (NP_000134.2, residues 20-40): AALASAPGLG[Gly30Val]AAVPSFWPPN